The following is an entry in ClinVar:

NM_182961.4(SYNE1):c.23327G>A (p.Gly7776Asp)

Gene: SYNE1 (spectrin repeat containing nuclear envelope protein 1; minus strand). Cytogenetic location: 6q25.2.
Variant type: single nucleotide variant.
Coding change: c.23327G>A on transcript NM_182961.4 (MANE Select); coding-DNA position 23327, G replaced by A.
Protein change: p.Gly7776Asp; replaces glycine 7776 with aspartic acid.
Molecular consequence: missense variant. On other transcripts: 5 prime UTR variant (1).
Genome position (GRCh38, 1-based): chr6:152,180,269, C>T on the plus strand (G>A on the coding strand, the complement: SYNE1 is on the minus strand). VCF-style: chr6-152180269-C-T. GRCh37 (hg19) VCF-style: chr6-152501404-C-T.
Other names: c.-68G>A (NM_001347701.2); c.23114G>A, p.Gly7705Asp (NM_033071.5); short protein forms G7705D, G7776D.
Identifiers: ClinVar variation 2180931 (VCV002180931.4), dbSNP rs906408679, ClinGen allele CA150193937.

ClinVar aggregate classification (germline): Uncertain significance (1 of 4 stars; one submission).

Conditions:
Emery-Dreifuss muscular dystrophy 4, autosomal dominant (EDMD4). Also called: EMERY-DREIFUSS MUSCULAR DYSTROPHY 4 WITH VARIABLE FEATURES. Identifiers: Orphanet 261, MedGen C2751807, MONDO:0013071, OMIM 612998.
Autosomal recessive ataxia, Beauce type. Also called: Spinocerebellar ataxia, autosomal recessive 8; ATAXIA, RECESSIVE, OF BEAUCE; SYNE1-Related Autosomal Recessive Cerebellar Ataxia; SYNE1 Deficiency. Identifiers: Orphanet 88644, MedGen C1853116, MONDO:0012549, OMIM 610743.

Allele frequency attached by ClinVar (database versions not stated): gnomAD 0.00001; gnomAD exomes 0.00001; TOPMed 0.00001.
gnomAD v4.1: 8 of 1,613,984 alleles (0.0005%); highest among the groups gnomAD compares: Non-Finnish European, 0.00068%; no homozygotes.

Submission:

Labcorp Genetics (formerly Invitae), Labcorp
Classification: Uncertain significance for Emery-Dreifuss muscular dystrophy 4, autosomal dominant; Autosomal recessive ataxia, Beauce type. Last evaluated: 2022-03-12. Review status: criteria provided, single submitter. Criteria: Invitae Variant Classification Sherloc (09022015). Collection method: clinical testing. Allele origin: germline.
Comment: In summary, the available evidence is currently insufficient to determine the role of this variant in disease. Therefore, it has been classified as a Variant of Uncertain Significance. Algorithms developed to predict the effect of missense changes on protein structure and function (SIFT, PolyPhen-2, Align-GVGD) all suggest that this variant is likely to be tolerated. This sequence change replaces glycine, which is neutral and non-polar, with aspartic acid, which is acidic and polar, at codon 7705 of the SYNE1 protein (p.Gly7705Asp). This variant is not present in population databases (gnomAD no frequency). This variant has not been reported in the literature in individuals affected with SYNE1-related conditions.